The following is an entry in ClinVar:

ClinVar aggregate classification (germline): Conflicting classifications of pathogenicity. Review status: criteria provided, conflicting classifications (1 of 4 stars). 5 submissions from 5 submitters: Uncertain significance (4); Likely benign (1). Last evaluated 2025-08-29.

Conditions:
Hereditary cancer-predisposing syndrome. Also called: Tumor predisposition; Hereditary Cancer Syndrome; Hereditary neoplastic syndrome; Neoplastic Syndromes, Hereditary. Identifiers: Orphanet 140162, MedGen C0027672, MeSH D009386, MONDO:0015356.
Familial cancer of breast. Also called: BREAST CANCER, FAMILIAL; Hereditary breast cancer; hereditary breast carcinoma. Identifiers: Orphanet 227535, MedGen C0346153, MONDO:0016419, OMIM 114480. Disease mechanism: loss of function.

Allele frequency attached by ClinVar (database versions not stated): gnomAD exomes below 0.00001.

Submissions (5):

Quest Diagnostics Nichols Institute San Juan Capistrano
Classification: Uncertain significance. Last evaluated: 2025-08-29. Review status: criteria provided, single submitter. Criteria: Quest Diagnostics criteria. Collection method: clinical testing. Allele origin: unknown.
Comment: The PALB2 c.2389C>A (p.Gln797Lys) variant has been reported in the published literature in an individual affected with breast cancer (PMID: 33471991 (2021), see also LOVD). The frequency of this variant in the general population (Genome Aggregation Database) is uninformative in the assessment of its pathogenicity. Analysis of this variant using bioinformatics tools for the prediction of the effect of amino acid changes on protein structure and function yielded predictions that this variant is benign. Based on the available information, we are unable to determine the clinical significance of this variant.

Labcorp Genetics (formerly Invitae), Labcorp
Classification: Uncertain significance for Familial cancer of breast. Last evaluated: 2025-08-24. Review status: criteria provided, single submitter. Criteria: Invitae Variant Classification Sherloc (09022015). Collection method: clinical testing. Allele origin: germline.
Comment: This sequence change replaces glutamine, which is neutral and polar, with lysine, which is basic and polar, at codon 797 of the PALB2 protein (p.Gln797Lys). This variant is present in population databases (no rsID available, gnomAD 0.003%). This variant has not been reported in the literature in individuals affected with PALB2-related conditions. ClinVar contains an entry for this variant (Variation ID: 410158). Invitae Evidence Modeling of protein sequence and biophysical properties (such as structural, functional, and spatial information, amino acid conservation, physicochemical variation, residue mobility, and thermodynamic stability) indicates that this missense variant is not expected to disrupt PALB2 protein function with a negative predictive value of 80%. In summary, the available evidence is currently insufficient to determine the role of this variant in disease. Therefore, it has been classified as a Variant of Uncertain Significance.

Ambry Genetics
Classification: Likely benign for Hereditary cancer-predisposing syndrome. Last evaluated: 2025-06-06. Review status: criteria provided, single submitter. Criteria: Ambry Variant Classification Scheme 2023. Collection method: clinical testing. Allele origin: germline.

GeneDx
Classification: Uncertain significance. Last evaluated: 2024-02-20. Review status: criteria provided, single submitter. Criteria: GeneDx Variant Classification Process June 2021. Collection method: clinical testing. Allele origin: germline. Affected: yes.
Comment: Not observed at significant frequency in large population cohorts (gnomAD); In silico analysis supports that this missense variant does not alter protein structure/function; Has not been previously published as pathogenic or benign to our knowledge; This variant is associated with the following publications: (PMID: 24485656)

Color Diagnostics, LLC DBA Color Health
Classification: Uncertain significance for Hereditary cancer-predisposing syndrome. Last evaluated: 2018-10-02. Review status: criteria provided, single submitter. Criteria: ACMG Guidelines, 2015. Collection method: clinical testing. Allele origin: germline.

Literature cited by the submitters: PubMed 33471991 (cited by Quest Diagnostics Nichols Institute San Juan Capistrano).

NM_024675.4(PALB2):c.2389C>A (p.Gln797Lys)

Gene: PALB2 (partner and localizer of BRCA2; minus strand). Cytogenetic location: 16p12.2.
Variant type: single nucleotide variant.
Coding change: c.2389C>A on transcript NM_024675.4 (MANE Select); coding-DNA position 2389, C replaced by A.
Protein change: p.Gln797Lys; replaces glutamine 797 with lysine.
Molecular consequence: missense variant.
Genome position (GRCh38, 1-based): chr16:23,629,765, G>T on the plus strand (C>A on the coding strand, the complement: PALB2 is on the minus strand). VCF-style: chr16-23629765-G-T. GRCh37 (hg19) VCF-style: chr16-23641086-G-T.
Other names: short protein forms Q797K.
Identifiers: ClinVar variation 410158 (VCV000410158.23), dbSNP rs1060502768, ClinGen allele CA16614866.